The following is an entry in ClinVar:

ClinVar aggregate classification (germline): Uncertain significance (1 of 4 stars; one submission).

Conditions:
Hereditary cancer-predisposing syndrome. Also called: Neoplastic Syndromes, Hereditary; Hereditary Cancer Syndrome; Hereditary neoplastic syndrome; Tumor predisposition. Identifiers: Orphanet 140162, MedGen C0027672, MeSH D009386, MONDO:0015356.

Submission:

Ambry Genetics
Classification: Uncertain significance for Hereditary cancer-predisposing syndrome. Last evaluated: 2026-05-27. Review status: criteria provided, single submitter. Criteria: Ambry Variant Classification Scheme 2023. Collection method: clinical testing. Allele origin: germline.
Comment: The p.L535Q variant (also known as c.1604T>A), located in coding exon 11 of the FLCN gene, results from a T to A substitution at nucleotide position 1604. The leucine at codon 535 is replaced by glutamine, an amino acid with dissimilar properties. This amino acid position is conserved. In addition, this alteration is predicted to be deleterious by in silico analysis. Based on the available evidence, the clinical significance of this variant remains unclear.

NM_144997.7(FLCN):c.1604T>A (p.Leu535Gln)

Gene: FLCN (folliculin; minus strand). Cytogenetic location: 17p11.2.
Variant type: single nucleotide variant.
Coding change: c.1604T>A on transcript NM_144997.7 (MANE Select); coding-DNA position 1604, T replaced by A.
Protein change: p.Leu535Gln; replaces leucine 535 with glutamine.
Molecular consequence: missense variant.
Genome position (GRCh38, 1-based): chr17:17,213,791, A>T on the plus strand (T>A on the coding strand, the complement: FLCN is on the minus strand). VCF-style: chr17-17213791-A-T. GRCh37 (hg19) VCF-style: chr17-17117105-A-T.
Other names: c.1658T>A, p.Leu553Gln (NM_001353229.2); c.1604T>A, p.Leu535Gln (NM_001353230.2, NM_001353231.2); short protein forms L535Q, L553Q.
Identifiers: ClinVar variation 4871396 (VCV004871396.1).